The following is an entry in ClinVar:

NM_001365536.1(SCN9A):c.1875C>A (p.Asn625Lys)

Genes: SCN1A-AS1 (SCN1A and SCN9A antisense RNA 1; plus strand), SCN9A (sodium voltage-gated channel alpha subunit 9; minus strand). Cytogenetic location: 2q24.3.
Variant type: single nucleotide variant.
Coding change: c.1875C>A on transcript NM_001365536.1 (MANE Select); coding-DNA position 1875, C replaced by A.
Protein change: p.Asn625Lys; replaces asparagine 625 with lysine.
Molecular consequence: missense variant.
Genome position (GRCh38, 1-based): chr2:166,284,552, G>T on the plus strand (C>A on the coding strand, the complement: SCN9A is on the minus strand). VCF-style: chr2-166284552-G-T. GRCh37 (hg19) VCF-style: chr2-167141062-G-T.
Other names: c.1875C>A, p.Asn625Lys (NM_002977.4); short protein forms N625K.
Identifiers: ClinVar variation 2929507 (VCV002929507.3), dbSNP rs1168052072, ClinGen allele CA349082869.

ClinVar aggregate classification (germline): Uncertain significance (1 of 4 stars; one submission).

Conditions:
Neuropathy, hereditary sensory and autonomic, type 2A (HSAN2A). Also called: ACROOSTEOLYSIS, GIACCAI TYPE; ACROOSTEOLYSIS, NEUROGENIC; WNK1-Related HSAN2 (HSAN2A); MORVAN DISEASE; NEUROPATHY, CONGENITAL SENSORY; NEUROPATHY, HEREDITARY SENSORY RADICULAR, AUTOSOMAL RECESSIVE. Identifiers: Orphanet 970, MedGen C2752089, MONDO:0024309, OMIM 201300.
Generalized epilepsy with febrile seizures plus, type 7 (GEFSP7). Also called: GEFS+, TYPE 7. Identifiers: Orphanet 36387, MedGen C2751778, MONDO:0013470, OMIM 613863.

gnomAD v4.1: 1 of 1,614,124 alleles (0.000062%); no homozygotes.

Submission:

Labcorp Genetics (formerly Invitae), Labcorp
Classification: Uncertain significance for Neuropathy, hereditary sensory and autonomic, type 2A; Generalized epilepsy with febrile seizures plus, type 7. Last evaluated: 2022-12-02. Review status: criteria provided, single submitter. Criteria: Invitae Variant Classification Sherloc (09022015). Collection method: clinical testing. Allele origin: germline.
Comment: This variant has not been reported in the literature in individuals affected with SCN9A-related conditions. Advanced modeling of protein sequence and biophysical properties (such as structural, functional, and spatial information, amino acid conservation, physicochemical variation, residue mobility, and thermodynamic stability) performed at Invitae indicates that this missense variant is not expected to disrupt SCN9A protein function. Algorithms developed to predict the effect of sequence changes on RNA splicing suggest that this variant may disrupt the consensus splice site. In summary, the available evidence is currently insufficient to determine the role of this variant in disease. Therefore, it has been classified as a Variant of Uncertain Significance. This variant is not present in population databases (gnomAD no frequency). This sequence change replaces asparagine, which is neutral and polar, with lysine, which is basic and polar, at codon 625 of the SCN9A protein (p.Asn625Lys).